The following is an entry in ClinVar:

NM_152345.5(ANKRD13B):c.1275C>T (p.His425=)

Gene: ANKRD13B (ankyrin repeat domain 13B; plus strand). Cytogenetic location: 17q11.2.
Variant type: single nucleotide variant.
Coding change: c.1275C>T on transcript NM_152345.5 (MANE Select); coding-DNA position 1275, C replaced by T.
Protein change: p.His425=; no amino-acid change (histidine 425 retained).
Molecular consequence: synonymous variant.
Genome position (GRCh38, 1-based): chr17:29,612,418, C>T. VCF-style: chr17-29612418-C-T. GRCh37 (hg19) VCF-style: chr17-27939436-C-T.
Identifiers: ClinVar variation 2647617 (VCV002647617.24), dbSNP rs145870428, ClinGen allele CA8476928.

ClinVar aggregate classification (germline): Likely benign (1 of 4 stars; one submission).

Allele frequency attached by ClinVar (database versions not stated): 1000 Genomes Project 30x 0.00016; 1000 Genomes Project 0.00020; gnomAD 0.00115; ExAC 0.00126; TOPMed 0.00128; gnomAD exomes 0.00201; ESP Exome Variant Server 0.00208.
gnomAD v4.1: 3,158 of 1,612,246 alleles (0.2%); highest among the groups gnomAD compares: Non-Finnish European, 0.24%; 8 homozygotes.

Submission:

CeGaT Center for Human Genetics Tuebingen
Classification: Likely benign. Last evaluated: 2023-05-01. Review status: criteria provided, single submitter. Criteria: CeGaT Center For Human Genetics Tuebingen Variant Classification Criteria Version 2. Collection method: clinical testing. Allele origin: germline. Affected: yes. Observed: 1 variant allele.
Comment: ANKRD13B: BP4, BP7, BS2